The following is an entry in ClinVar:

ClinVar aggregate classification (germline): Uncertain significance (1 of 4 stars; one submission).

gnomAD v4.1: 20 of 1,591,418 alleles (0.0013%); highest among the groups gnomAD compares: Non-Finnish European, 0.0017%; no homozygotes.

Submission:

Mayo Clinic Laboratories, Mayo Clinic
Classification: Uncertain significance. Last evaluated: 2025-03-17. Review status: criteria provided, single submitter. Criteria: ACMG Guidelines, 2015. Collection method: clinical testing. Allele origin: germline. Observed: 1 variant allele.
Comment: BP4, PP2, PM2_supporting

NM_001346249.2(RALGAPA1):c.4155C>A (p.Asn1385Lys)

Gene: RALGAPA1 (Ral GTPase activating protein catalytic subunit alpha 1; minus strand). Cytogenetic location: 14q13.2.
Variant type: single nucleotide variant.
Coding change: c.4155C>A on transcript NM_001346249.2 (MANE Select); coding-DNA position 4155, C replaced by A.
Protein change: p.Asn1385Lys; replaces asparagine 1385 with lysine.
Molecular consequence: missense variant.
Genome position (GRCh38, 1-based): chr14:35,685,068, G>T on the plus strand (C>A on the coding strand, the complement: RALGAPA1 is on the minus strand). VCF-style: chr14-35685068-G-T. GRCh37 (hg19) VCF-style: chr14-36154274-G-T.
Other names: p.Asn879Lys; c.2676C>A, p.Asn892Lys (NM_001283043.3); c.2778C>A, p.Asn926Lys (NM_001283044.3, NM_001346245.2, NM_001346247.2); c.4014C>A, p.Asn1338Lys (NM_001330075.3, NM_001346248.2); c.2637C>A, p.Asn879Lys (NM_001346243.2, NM_001346246.2, NM_014990.3 and 1 more transcripts); short protein forms N1338K, N879K, N1385K, N892K, N926K.
Identifiers: ClinVar variation 4541825 (VCV004541825.1).